The following is an entry in ClinVar:

ClinVar aggregate classification (germline): Conflicting classifications of pathogenicity. Review status: criteria provided, conflicting classifications (1 of 4 stars). 3 submissions from 3 submitters: Uncertain significance (1); Likely benign (1). 1 of the submissions does not count toward it. Last evaluated 2019-11-12.

Conditions:
TTN-related disorder. Also called: TTN-related disorders; TTN-related condition; TTN-related disease.

Allele frequency attached by ClinVar (database versions not stated): gnomAD 0.00003; TOPMed 0.00008; gnomAD exomes 0.00015 and 0.00034; ExAC 0.00020.
gnomAD v4.1: 98 of 1,613,082 alleles (0.0061%); highest among the groups gnomAD compares: Admixed American, 0.16%; no homozygotes.

Submissions (3):

GeneDx
Classification: Likely benign. Last evaluated: 2019-11-12. Review status: criteria provided, single submitter. Criteria: GeneDx Variant Classification Process June 2021. Collection method: clinical testing. Allele origin: germline. Affected: yes.

Laboratory for Molecular Medicine, Mass General Brigham Personalized Medicine
Classification: Uncertain significance. Last evaluated: 2013-05-01. Review status: criteria provided, single submitter. Criteria: LMM Criteria. Collection method: clinical testing. Allele origin: germline. Observed: 1 variant allele.
Comment: The Gln3390Arg variant in TTN has not been reported in individuals with cardiomy opathy. Data from large population studies is insufficient to assess the frequen cy of this variant. Computational analyses are also limited for this variant. Ad ditional information is needed to fully assess the clinical significance of this variant.

PreventionGenetics, part of Exact Sciences
Classification: Likely benign for TTN-related condition. Last evaluated: 2023-02-14. Review status: no assertion criteria provided. Collection method: clinical testing. Allele origin: germline. Not counted in ClinVar's aggregate classification.
Comment: This variant is classified as likely benign based on ACMG/AMP sequence variant interpretation guidelines (Richards et al. 2015 PMID: 25741868, with internal and published modifications).

NM_001267550.2(TTN):c.10682A>G (p.Gln3561Arg)

Gene: TTN (titin; minus strand). Cytogenetic location: 2q31.2.
Variant type: single nucleotide variant.
Coding change: c.10682A>G on transcript NM_001267550.2 (MANE Select); coding-DNA position 10682, A replaced by G.
Protein change: p.Gln3561Arg; replaces glutamine 3561 with arginine.
Molecular consequence: missense variant. On other transcripts: intron variant (5).
Genome position (GRCh38, 1-based): chr2:178,756,794, T>C on the plus strand (A>G on the coding strand, the complement: TTN is on the minus strand). VCF-style: chr2-178756794-T-C. GRCh37 (hg19) VCF-style: chr2-179621521-T-C.
Other names: c.10169A>G, p.Gln3390Arg (NM_133437.4); c.10165+2190A>G (NM_003319.4); c.10540+748A>G (NM_133432.3); c.10303+2190A>G (NM_133378.4, NM_001256850.1, NM_133379.5); short protein forms Q3390R, Q3561R.
Identifiers: ClinVar variation 166287 (VCV000166287.9), dbSNP rs727503676, ClinGen allele CA179171.